The following is an entry in ClinVar:

NM_176824.3(BBS7):c.578T>C (p.Leu193Ser)

Gene: BBS7 (Bardet-Biedl syndrome 7; minus strand). Cytogenetic location: 4q27.
Variant type: single nucleotide variant.
Coding change: c.578T>C on transcript NM_176824.3 (MANE Select); coding-DNA position 578, T replaced by C.
Protein change: p.Leu193Ser; replaces leucine 193 with serine.
Molecular consequence: missense variant.
Genome position (GRCh38, 1-based): chr4:121,855,512, A>G on the plus strand (T>C on the coding strand, the complement: BBS7 is on the minus strand). VCF-style: chr4-121855512-A-G. GRCh37 (hg19) VCF-style: chr4-122776667-A-G.
Other names: c.578T>C, p.Leu193Ser (NM_018190.4); short protein forms L193S.
Identifiers: ClinVar variation 960436 (VCV000960436.6), dbSNP rs1726562977, ClinGen allele CA358066605.

ClinVar aggregate classification (germline): Uncertain significance (1 of 4 stars; one submission).

Conditions:
Bardet-Biedl syndrome (BBS). Identifiers: Orphanet 110, MedGen C0752166, MONDO:0015229.

Submission:

Labcorp Genetics (formerly Invitae), Labcorp
Classification: Uncertain significance for Bardet-Biedl syndrome. Last evaluated: 2022-10-25. Review status: criteria provided, single submitter. Criteria: Invitae Variant Classification Sherloc (09022015). Collection method: clinical testing. Allele origin: germline.
Comment: This sequence change replaces leucine, which is neutral and non-polar, with serine, which is neutral and polar, at codon 193 of the BBS7 protein (p.Leu193Ser). This variant is not present in population databases (gnomAD no frequency). This variant has not been reported in the literature in individuals affected with BBS7-related conditions. ClinVar contains an entry for this variant (Variation ID: 960436). Advanced modeling of protein sequence and biophysical properties (such as structural, functional, and spatial information, amino acid conservation, physicochemical variation, residue mobility, and thermodynamic stability) performed at Invitae indicates that this missense variant is expected to disrupt BBS7 protein function. In summary, the available evidence is currently insufficient to determine the role of this variant in disease. Therefore, it has been classified as a Variant of Uncertain Significance.